The following is an entry in ClinVar:

NM_015122.3(FCHO1):c.155C>T (p.Ala52Val)

Gene: FCHO1 (FCH and mu domain containing endocytic adaptor 1; plus strand). Cytogenetic location: 19p13.11.
Variant type: single nucleotide variant.
Coding change: c.155C>T on transcript NM_015122.3 (MANE Select); coding-DNA position 155, C replaced by T.
Protein change: p.Ala52Val; replaces alanine 52 with valine.
Molecular consequence: missense variant. On other transcripts: non-coding transcript variant (36), intron variant (1).
Genome position (GRCh38, 1-based): chr19:17,764,410, C>T. VCF-style: chr19-17764410-C-T. GRCh37 (hg19) VCF-style: chr19-17875219-C-T.
Other names: c.155C>T, p.Ala52Val (NM_001161357.2, NM_001161358.2, NM_001384370.1 and 29 more transcripts); c.5C>T, p.Ala2Val (NM_001161359.2, NM_001384384.1, NM_001384385.1 and 3 more transcripts); c.119+1557C>T (NM_001384390.1); c.155C>T (NM_001161357.1); short protein forms A2V, A52V.
Identifiers: ClinVar variation 1500369 (VCV001500369.5), dbSNP rs551538160, ClinGen allele CA9299993.

ClinVar aggregate classification (germline): Uncertain significance. Review status: criteria provided, multiple submitters, no conflicts (2 of 4 stars). 2 submissions from 2 submitters: Uncertain significance (2). Last evaluated 2023-10-04.

Allele frequency attached by ClinVar (database versions not stated): ExAC 0.00001; gnomAD exomes 0.00001; gnomAD 0.00006 and 0.00007; TOPMed 0.00011; 1000 Genomes Project 0.00020; 1000 Genomes Project 30x 0.00031.

Submissions (2):

Labcorp Genetics (formerly Invitae), Labcorp
Classification: Uncertain significance. Last evaluated: 2023-10-04. Review status: criteria provided, single submitter. Criteria: Invitae Variant Classification Sherloc (09022015). Collection method: clinical testing. Allele origin: germline.
Comment: This sequence change replaces alanine, which is neutral and non-polar, with valine, which is neutral and non-polar, at codon 52 of the FCHO1 protein (p.Ala52Val). This variant is present in population databases (rs551538160, gnomAD 0.005%). This variant has not been reported in the literature in individuals affected with FCHO1-related conditions. ClinVar contains an entry for this variant (Variation ID: 1500369). An algorithm developed to predict the effect of missense changes on protein structure and function (PolyPhen-2) suggests that this variant¬†is likely to be tolerated. In summary, the available evidence is currently insufficient to determine the role of this variant in disease. Therefore, it has been classified as a Variant of Uncertain Significance.

Ambry Genetics
Classification: Uncertain significance. Last evaluated: 2022-12-02. Review status: criteria provided, single submitter. Criteria: Ambry Variant Classification Scheme 2023. Collection method: clinical testing. Allele origin: germline.